The following is an entry in ClinVar:

ClinVar aggregate classification (germline): Benign. Review status: reviewed by expert panel (3 of 4 stars). 32 submissions from 30 submitters: Benign (1). 31 of the submissions do not count toward it. Last evaluated 2015-01-12.
ClinVar aggregate classification (somatic clinical impact): Tier IV - Benign/Likely benign (0 of 4 stars; one submission).

Conditions:
Hereditary cancer-predisposing syndrome. Also called: Tumor predisposition; Hereditary neoplastic syndrome; Neoplastic Syndromes, Hereditary; Hereditary Cancer Syndrome. Identifiers: Orphanet 140162, MedGen C0027672, MeSH D009386, MONDO:0015356.
Hereditary breast ovarian cancer syndrome. Also called: Hereditary breast and ovarian cancer syndrome; Hereditary breast and ovarian cancer syndrome (HBOC); Breast and ovarian cancer; BRCA1- and BRCA2-Associated Hereditary Breast and Ovarian Cancer; Hereditary breast and ovarian cancer; Hereditary breast and/or ovarian cancer syndrome. Identifiers: Orphanet 145, MedGen C0677776, MeSH D061325, MONDO:0003582. Disease mechanism: loss of function.
Fanconi anemia complementation group D1. Also called: BRCA2-Related Fanconi Anemia. Identifiers: Orphanet 319462, MedGen C1838457, MONDO:0011584, OMIM 605724.
Breast-ovarian cancer, familial, susceptibility to, 2 (BROVCA2). Also called: BRCA2 Hereditary Breast and Ovarian Cancer. Identifiers: Orphanet 145, MedGen C2675520, MONDO:0012933, OMIM 612555. Disease mechanism: loss of function.
Familial cancer of breast. Also called: hereditary breast carcinoma; Hereditary breast cancer; BREAST CANCER, FAMILIAL. Identifiers: Orphanet 227535, MedGen C0346153, MONDO:0016419, OMIM 114480. Disease mechanism: loss of function.

Allele frequency attached by ClinVar (database versions not stated): 1000 Genomes Project 0.16813; 1000 Genomes Project 30x 0.17130; gnomAD exomes 0.17460 and 0.17640; gnomAD 0.18035 and 0.18381; TOPMed 0.18284; ExAC 0.18984; ESP Exome Variant Server 0.19111.
gnomAD v4.1: 280,865 of 1,589,028 alleles (18%); highest among the groups gnomAD compares: Middle Eastern, 24%; 25,419 homozygotes.

Submissions 1 to 21 of 33:

Evidence-based Network for the Interpretation of Germline Mutant Alleles (ENIGMA)
Classification: Benign for Breast-ovarian cancer, familial 2. Last evaluated: 2015-01-12. Review status: reviewed by expert panel. Criteria: ENIGMA BRCA1/2 Classification Criteria (2015). Collection method: curation. Allele origin: germline.
Comment: Class 1 not pathogenic based on frequency >1% in an outbred sampleset. Frequency 0.1836 (Asian), 0.1972 (African), 0.1794 (European), derived from 1000 genomes (2012-04-30).

Labcorp Genetics (formerly Invitae), Labcorp
Classification: Benign for Hereditary breast ovarian cancer syndrome. Last evaluated: 2026-02-04. Review status: criteria provided, single submitter. Criteria: Invitae Variant Classification Sherloc (09022015). Collection method: clinical testing. Allele origin: germline. Not counted in ClinVar's aggregate classification.

ARUP Laboratories, Molecular Genetics and Genomics, ARUP Laboratories
Classification: Benign. Last evaluated: 2025-07-31. Review status: criteria provided, single submitter. Criteria: ARUP Molecular Germline Variant Investigation Process 2024. Collection method: clinical testing. Allele origin: germline. Not counted in ClinVar's aggregate classification.

KCCC/NGS Laboratory, Kuwait Cancer Control Center
Classification: Benign for Familial cancer of breast. Last evaluated: 2025-02-01. Review status: criteria provided, single submitter. Criteria: ACMG Guidelines, 2015. Collection method: clinical testing. Allele origin: germline. Affected: no. Not counted in ClinVar's aggregate classification.

Blueprint Genetics
Classification: Benign. Last evaluated: 2024-11-27. Review status: criteria provided, single submitter. Criteria: ACMG Guidelines, 2015. Collection method: clinical testing. Allele origin: germline. Not counted in ClinVar's aggregate classification.

KCCC/NGS Laboratory, Kuwait Cancer Control Center
Classification: Benign for Breast-ovarian cancer, familial, susceptibility to, 2. Last evaluated: 2023-07-07. Review status: criteria provided, single submitter. Criteria: ACMG Guidelines, 2015. Collection method: clinical testing. Allele origin: germline. Affected: yes. Not counted in ClinVar's aggregate classification.

National Health Laboratory Service, Universitas Academic Hospital and University of the Free State
Classification: Benign for Hereditary breast ovarian cancer syndrome. Last evaluated: 2022-04-19. Review status: criteria provided, single submitter. Criteria: ACMG Guidelines, 2015. Collection method: clinical testing. Allele origin: germline. Affected: yes. Observed: 421 variant alleles. Not counted in ClinVar's aggregate classification.

Genetics Program, Instituto Nacional de Cancer
Classification: Benign for Hereditary breast ovarian cancer syndrome. Last evaluated: 2021-11-01. Review status: criteria provided, single submitter. Criteria: ACMG Guidelines, 2015. Collection method: research. Allele origin: germline. Affected: yes. Not counted in ClinVar's aggregate classification.

Sema4
Classification: Benign for Hereditary cancer-predisposing syndrome. Last evaluated: 2019-12-09. Review status: criteria provided, single submitter. Criteria: Sema4 Curation Guidelines. Collection method: curation. Allele origin: germline. Not counted in ClinVar's aggregate classification.

Illumina Laboratory Services, Illumina
Classification: Benign for Breast-ovarian cancer, familial, susceptibility to, 2. Last evaluated: 2018-01-12. Review status: criteria provided, single submitter. Criteria: ICSL Variant Classification Criteria 13 December 2019. Collection method: clinical testing. Allele origin: germline. Not counted in ClinVar's aggregate classification.
Comment: This variant was observed in the ICSL laboratory as part of a predisposition screen in an ostensibly healthy population. It had not been previously curated by ICSL or reported in the Human Gene Mutation Database (HGMD: prior to June 1st, 2018), and was therefore a candidate for classification through an automated scoring system. Utilizing variant allele frequency, disease prevalence and penetrance estimates, and inheritance mode, an automated score was calculated to assess if this variant is too frequent to cause the disease. Based on the score and internal cut-off values, a variant classified as benign is not then subjected to further curation. The score for this variant resulted in a classification of benign for this disease.

Illumina Laboratory Services, Illumina
Classification: Benign for Fanconi anemia complementation group D1. Last evaluated: 2018-01-12. Review status: criteria provided, single submitter. Criteria: ICSL Variant Classification Criteria 13 December 2019. Collection method: clinical testing. Allele origin: germline. Not counted in ClinVar's aggregate classification.
Comment: the same text as in the submission from Illumina Laboratory Services, Illumina above.

GeneKor MSA
Classification: Benign. Last evaluated: 2017-11-01. Review status: criteria provided, single submitter. Criteria: ACMG Guidelines, 2015. Collection method: clinical testing. Allele origin: germline. Affected: yes. Not counted in ClinVar's aggregate classification.

Cancer Genetics and Genomics Laboratory, British Columbia Cancer Agency
Classification: Benign. Last evaluated: 2017-04-18. Review status: criteria provided, single submitter. Criteria: ACMG Guidelines, 2015. Collection method: clinical testing. Allele origin: germline. Study: The Canadian Open Genetics Repository (COGR). Not counted in ClinVar's aggregate classification.

Baylor Genetics
Classification: Benign for Familial cancer of breast. Last evaluated: 2017-02-23. Review status: criteria provided, single submitter. Criteria: ACMG Guidelines, 2015. Collection method: clinical testing. Allele origin: germline. Inheritance: Autosomal dominant inheritance. Affected: no. Not counted in ClinVar's aggregate classification.

Laboratory for Molecular Medicine, Mass General Brigham Personalized Medicine
Classification: Benign. Last evaluated: 2016-03-28. Review status: criteria provided, single submitter. Criteria: LMM Criteria. Collection method: clinical testing. Allele origin: germline. Not counted in ClinVar's aggregate classification.
Comment: Variant identified in a genome or exome case(s) and assessed due to predicted null impact of the variant or pathogenic assertions in the literature or databases. Disclaimer: This variant has not undergone full assessment. The following are preliminary notes: Frequency

Eurofins Ntd Llc (ga)
Classification: Benign. Last evaluated: 2016-01-05. Review status: criteria provided, single submitter. Criteria: EGL Classification Definitions 2015. Collection method: clinical testing. Allele origin: germline. Observed: 128 variant alleles, 119 heterozygotes, 9 homozygotes. Not counted in ClinVar's aggregate classification.

Clinical Genetics DNA and cytogenetics Diagnostics Lab, Erasmus MC, Erasmus Medical Center
Classification: Benign for Breast-ovarian cancer, familial, susceptibility to, 2. Last evaluated: 2015-09-21. Review status: criteria provided, single submitter. Criteria: ACGS Guidelines, 2013. Collection method: clinical testing. Allele origin: germline. Affected: yes. Study: VKGL Data-share Consensus. Not counted in ClinVar's aggregate classification.

Color Diagnostics, LLC DBA Color Health
Classification: Benign for Hereditary cancer-predisposing syndrome. Last evaluated: 2015-03-31. Review status: criteria provided, single submitter. Criteria: ACMG Guidelines, 2015. Collection method: clinical testing. Allele origin: germline. Not counted in ClinVar's aggregate classification.

Molecular Genetics Laboratory, University of Michigan
Classification: Benign for Breast-ovarian cancer, familial, susceptibility to, 2. Last evaluated: 2014-11-03. Review status: criteria provided, single submitter. Criteria: ACMG Guidelines, 2015. Collection method: clinical testing. Allele origin: germline. Affected: yes. Not counted in ClinVar's aggregate classification.

Genome Diagnostics Laboratory, University Medical Center Utrecht
Classification: Benign for Breast-ovarian cancer, familial, susceptibility to, 2. Last evaluated: 2014-10-10. Review status: criteria provided, single submitter. Criteria: ACGS Guidelines, 2013. Collection method: clinical testing. Allele origin: germline. Affected: yes. Study: VKGL Data-share Consensus. Not counted in ClinVar's aggregate classification.

Ambry Genetics
Classification: Benign for Hereditary cancer-predisposing syndrome. Last evaluated: 2014-08-21. Review status: criteria provided, single submitter. Criteria: Ambry Variant Classification Scheme 2023. Collection method: clinical testing. Allele origin: germline. Not counted in ClinVar's aggregate classification.

NM_000059.4(BRCA2):c.3807T>C (p.Val1269=)

Gene: BRCA2 (BRCA2 DNA repair associated; plus strand). Cytogenetic location: 13q13.1.
Variant type: single nucleotide variant.
Coding change: c.3807T>C on transcript NM_000059.4 (MANE Select); coding-DNA position 3807, T replaced by C.
Protein change: p.Val1269=; no amino-acid change (valine 1269 retained).
Molecular consequence: synonymous variant.
Genome position (GRCh38, 1-based): chr13:32,338,162, T>C. VCF-style: chr13-32338162-T-C. GRCh37 (hg19) VCF-style: chr13-32912299-T-C.
Other names: 4035T/C; V1269V; 4035 T>C; NP_000050.3:p.Val1269=; 4035T>C.
Identifiers: ClinVar variation 126022 (VCV000126022.92), dbSNP rs543304, ClinGen allele CA018842.
Genomic context (GRCh38, chr13:32,338,162, plus strand): 5'-GGAAACTTCTGCAGAGGTACATCCAATAAGTTTATCTTCAAGTAAATGTCATGATTCTGT[T>C]GTTTCAATGTTTAAGATAGAAAATCATAATGATAAAACTGTAAGTGAAAAAAATAATAAA-3'
Protein context (NP_000050.3, residues 1259-1279): SLSSSKCHDS[Val1269=]VSMFKIENHN